The following is an entry in ClinVar:

NM_005559.4(LAMA1):c.4869A>G (p.Ala1623=)

Gene: LAMA1 (laminin subunit alpha 1; minus strand). Cytogenetic location: 18p11.31.
Variant type: single nucleotide variant.
Coding change: c.4869A>G on transcript NM_005559.4 (MANE Select); coding-DNA position 4869, A replaced by G.
Protein change: p.Ala1623=; no amino-acid change (alanine 1623 retained).
Molecular consequence: synonymous variant.
Genome position (GRCh38, 1-based): chr18:6,995,384, T>C on the plus strand (A>G on the coding strand, the complement: LAMA1 is on the minus strand). VCF-style: chr18-6995384-T-C. GRCh37 (hg19) VCF-style: chr18-6995383-T-C.
Other names: c.4869A>G (NM_005559.3).
Identifiers: ClinVar variation 3676335 (VCV003676335.3).

ClinVar aggregate classification (germline): Likely benign. Review status: criteria provided, multiple submitters, no conflicts (2 of 4 stars). 2 submissions from 2 submitters: Likely benign (2). Last evaluated 2025-06-27.

Conditions:
LAMA1-related disorder. Also called: LAMA1-related disorders; LAMA1-related condition.

gnomAD v4.1: 1 of 1,613,640 alleles (0.000062%); highest among the groups gnomAD compares: Admixed American, 0.0017%; no homozygotes.

Submissions (2):

PreventionGenetics, part of Exact Sciences
Classification: Likely benign for LAMA1-related condition. Last evaluated: 2025-06-27. Review status: criteria provided, single submitter. Criteria: ACMG Guidelines, 2015. Collection method: clinical testing. Allele origin: germline.
Comment: This variant is classified as likely benign based on ACMG/AMP sequence variant interpretation guidelines (Richards et al. 2015 PMID: 25741868, with internal and published modifications).

Labcorp Genetics (formerly Invitae), Labcorp
Classification: Likely benign. Last evaluated: 2024-03-15. Review status: criteria provided, single submitter. Criteria: Invitae Variant Classification Sherloc (09022015). Collection method: clinical testing. Allele origin: germline.